The following is an entry in ClinVar:

ClinVar aggregate classification (germline): Likely pathogenic. Review status: criteria provided, multiple submitters, no conflicts (2 of 4 stars). 2 submissions from 2 submitters: Likely pathogenic (2). Last evaluated 2025-06-24.

Conditions:
GABBR2-related disorder. Also called: GABBR2-related condition; GABBR2-related disorders.
Developmental and epileptic encephalopathy, 59. Also called: Early infantile epileptic encephalopathy 59. Identifiers: MedGen C4693550, MONDO:0033368, OMIM 617904.

Submissions (2):

3billion
Classification: Likely pathogenic for Developmental and epileptic encephalopathy, 59. Last evaluated: 2025-06-24. Review status: criteria provided, single submitter. Criteria: ACMG Guidelines, 2015. Collection method: clinical testing. Allele origin: germline. Affected: yes.
Comment: The variant is not observed in the gnomAD v4.1.0 dataset. Predicted Consequence/Location: Missense variant. Missense changes are a common disease-causing mechanism. In silico tool predictions suggest damaging effect of the variant on gene or gene product [REVEL: 0.77 (>=0.6, sensitivity 0.68 and specificity 0.92)]. The same nucleotide change resulting in the same amino acid change has been previously reported to be associated with GABBR2-related disorder (PMID: 33144682).A different missense change at the same codon (p.Met702Ile) has been reported to be associated with GABBR2-related disorder (ClinVar ID: VCV000981375). Therefore, this variant is classified as Likely pathogenic according to the recommendation of ACMG/AMP guideline.

Blueprint Genetics
Classification: Likely pathogenic for GABBR2-related disorders. Last evaluated: 2024-07-16. Review status: criteria provided, single submitter. Criteria: ACMG Guidelines, 2015. Collection method: clinical testing. Allele origin: de novo. Affected: yes. Observed: 1 variant allele.

Literature cited by the submitters: PubMed 33144682 (cited by 3billion).

NM_005458.8(GABBR2):c.2104A>G (p.Met702Val)

Gene: GABBR2 (gamma-aminobutyric acid type B receptor subunit 2; minus strand). Cytogenetic location: 9q22.33.
Variant type: single nucleotide variant.
Coding change: c.2104A>G on transcript NM_005458.8 (MANE Select); coding-DNA position 2104, A replaced by G.
Protein change: p.Met702Val; replaces methionine 702 with valine.
Molecular consequence: missense variant.
Genome position (GRCh38, 1-based): chr9:98,306,246, T>C on the plus strand (A>G on the coding strand, the complement: GABBR2 is on the minus strand). VCF-style: chr9-98306246-T-C. GRCh37 (hg19) VCF-style: chr9-101068528-T-C.
Other names: short protein forms M702V.
Identifiers: ClinVar variation 4854541 (VCV004854541.2).